The following is an entry in ClinVar:

NM_033337.3(CAV3):c.143C>G (p.Pro48Arg)

Genes: OXTR (oxytocin receptor; minus strand), CAV3 (caveolin 3; plus strand). Cytogenetic location: 3p25.3.
Variant type: single nucleotide variant.
Coding change: c.143C>G on transcript NM_033337.3 (MANE Select); coding-DNA position 143, C replaced by G.
Protein change: p.Pro48Arg; replaces proline 48 with arginine.
Molecular consequence: missense variant.
Genome position (GRCh38, 1-based): chr3:8,745,554, C>G. VCF-style: chr3-8745554-C-G. GRCh37 (hg19) VCF-style: chr3-8787240-C-G.
Other names: c.143C>G, p.Pro48Arg (NM_001234.5); short protein forms P48R.
Identifiers: ClinVar variation 409259 (VCV000409259.13), dbSNP rs1060502317, ClinGen allele CA16611375.

ClinVar aggregate classification (germline): Uncertain significance. Review status: criteria provided, multiple submitters, no conflicts (2 of 4 stars). 5 submissions from 5 submitters: Uncertain significance (5). Last evaluated 2025-02-22.

Conditions:
Elevated circulating creatine kinase activity. Also called: Elevated serum creatine phosphokinase; Elevated creatine kinase; Elevated circulating creatine kinase concentration. Identifiers: MedGen C0241005, HP:0003236.
Distal myopathy, Tateyama type (MPDT). Also called: CAV3-Related Distal Myopathy. Identifiers: Orphanet 488650, MedGen C3280443, MONDO:0013686, OMIM 614321.
Rippling muscle disease 2 (RMD2). Also called: CAV3-Related Rippling Muscle Disease; Limb-girdle muscular dystrophy, type 1C. Identifiers: Orphanet 265, MedGen C1832560, MONDO:0019947, OMIM 606072.
Long QT syndrome 9 (LQT9). Identifiers: Orphanet 101016, Orphanet 768, MedGen C2678485, MONDO:0012736, OMIM 611818.
Hypertrophic cardiomyopathy 1 (CMH1). Also called: MYH7-Related Familial Hypertrophic Cardiomyopathy; Familial hypertrophic cardiomyopathy 1. Identifiers: MedGen C3495498, MONDO:0008647, OMIM 192600.
Cardiovascular phenotype. Identifiers: MedGen CN230736.
Long QT syndrome (LQTS). Identifiers: MedGen C0023976, MeSH D008133, MONDO:0002442. Disease mechanism: loss of function. Inheritance: Various modes of inheritance.

Allele frequency attached by ClinVar (database versions not stated): gnomAD 0.00001; TOPMed 0.00001.
gnomAD v4.1: 7 of 1,614,030 alleles (0.00043%); highest among the groups gnomAD compares: Non-Finnish European, 0.00059%; no homozygotes.

Submissions (5):

Ambry Genetics
Classification: Uncertain significance for Cardiovascular phenotype. Last evaluated: 2025-02-22. Review status: criteria provided, single submitter. Criteria: Ambry Variant Classification Scheme 2023. Collection method: clinical testing. Allele origin: germline.
Comment: The p.P48R variant (also known as c.143C>G), located in coding exon 2 of the CAV3 gene, results from a C to G substitution at nucleotide position 143. The proline at codon 48 is replaced by arginine, an amino acid with dissimilar properties. This amino acid position is highly conserved in available vertebrate species. In addition, this alteration is predicted to be deleterious by in silico analysis. Since supporting evidence is limited at this time, the clinical significance of this alteration remains unclear.

Labcorp Genetics (formerly Invitae), Labcorp
Classification: Uncertain significance for Long QT syndrome. Last evaluated: 2024-12-06. Review status: criteria provided, single submitter. Criteria: Invitae Variant Classification Sherloc (09022015). Collection method: clinical testing. Allele origin: germline.
Comment: This sequence change replaces proline, which is neutral and non-polar, with arginine, which is basic and polar, at codon 48 of the CAV3 protein (p.Pro48Arg). This variant is not present in population databases (gnomAD no frequency). This variant has not been reported in the literature in individuals affected with CAV3-related conditions. ClinVar contains an entry for this variant (Variation ID: 409259). An algorithm developed to predict the effect of missense changes on protein structure and function (PolyPhen-2) suggests that this variant is likely to be disruptive. In summary, the available evidence is currently insufficient to determine the role of this variant in disease. Therefore, it has been classified as a Variant of Uncertain Significance.

GeneDx
Classification: Uncertain significance. Last evaluated: 2024-11-25. Review status: criteria provided, single submitter. Criteria: GeneDx Variant Classification Process June 2021. Collection method: clinical testing. Allele origin: germline. Affected: yes.
Comment: Not observed at significant frequency in large population cohorts (gnomAD); In silico analysis supports that this missense variant has a deleterious effect on protein structure/function; Has not been previously published as pathogenic or benign to our knowledge

Fulgent Genetics
Classification: Uncertain significance for Creatine phosphokinase, elevated serum; Hypertrophic cardiomyopathy 1; Rippling muscle disease 2; Long QT syndrome 9; Distal myopathy, Tateyama type. Last evaluated: 2022-01-10. Review status: criteria provided, single submitter. Criteria: ACMG Guidelines, 2015. Collection method: clinical testing. Allele origin: unknown.

Blueprint Genetics
Classification: Uncertain significance. Last evaluated: 2019-01-17. Review status: criteria provided, single submitter. Criteria: ACMG Guidelines, 2015. Collection method: clinical testing. Allele origin: germline.